The following is an entry in ClinVar:

NM_003036.4(SKI):c.297G>T (p.Glu99Asp)

Gene: SKI (SKI proto-oncogene; plus strand). Cytogenetic location: 1p36.33.
Variant type: single nucleotide variant.
Coding change: c.297G>T on transcript NM_003036.4 (MANE Select); coding-DNA position 297, G replaced by T.
Protein change: p.Glu99Asp; replaces glutamic acid 99 with aspartic acid.
Molecular consequence: missense variant.
Genome position (GRCh38, 1-based): chr1:2,229,063, G>T. VCF-style: chr1-2229063-G-T. GRCh37 (hg19) VCF-style: chr1-2160502-G-T.
Other names: short protein forms E99D.
Identifiers: ClinVar variation 4799791 (VCV004799791.1).
Genomic context (GRCh38, chr1:2,229,063, plus strand): 5'-CCAGCCGCCGCCGCCCGTGCTGCCCGGGCCCTTCTTCATGCCGTCCGACCGCTCCACCGA[G>T]CGCTGCGAGACCGTACTGGAAGGCGAGACCATCTCGTGCTTCGTGGTGGGAGGCGAGAAG-3'
Protein context (NP_003027.1, residues 89-109): PFFMPSDRST[Glu99Asp]RCETVLEGET

ClinVar aggregate classification (germline): Uncertain significance (1 of 4 stars; one submission).

Conditions:
Shprintzen-Goldberg syndrome (SGS). Also called: Marfanoid disorder with craniosynostosis type 1; Marfanoid craniosynostosis syndrome; Shprintzen-Goldberg marfanoid syndrome; SHPRINTZEN-GOLDBERG CRANIOSYNOSTOSIS SYNDROME; CRANIOSYNOSTOSIS WITH ARACHNODACTYLY AND ABDOMINAL HERNIAS. Identifiers: Orphanet 2462, MedGen C1321551, MONDO:0008426, OMIM 182212.

gnomAD v4.1: 1 of 1,606,848 alleles (0.000062%); highest among the groups gnomAD compares: South Asian, 0.0011%; no homozygotes.

Submission:

Labcorp Genetics (formerly Invitae), Labcorp
Classification: Uncertain significance for Shprintzen-Goldberg syndrome. Last evaluated: 2025-10-23. Review status: criteria provided, single submitter. Criteria: Invitae Variant Classification Sherloc (09022015). Collection method: clinical testing. Allele origin: germline.
Comment: This sequence change replaces glutamic acid, which is acidic and polar, with aspartic acid, which is acidic and polar, at codon 99 of the SKI protein (p.Glu99Asp). The frequency data for this variant in the population databases is considered unreliable, as metrics indicate poor data quality at this position in the gnomAD database. This variant has not been reported in the literature in individuals affected with SKI-related conditions. Invitae Evidence Modeling of protein sequence and biophysical properties (such as structural, functional, and spatial information, amino acid conservation, physicochemical variation, residue mobility, and thermodynamic stability) indicates that this missense variant is expected to disrupt SKI protein function with a positive predictive value of 95%. In summary, the available evidence is currently insufficient to determine the role of this variant in disease. Therefore, it has been classified as a Variant of Uncertain Significance.